The following is an entry in ClinVar:

NM_013339.4(ALG6):c.849del (p.Asn283fs)

Gene: ALG6 (ALG6 alpha-1,3-glucosyltransferase; plus strand). Cytogenetic location: 1p31.3.
Variant type: Deletion.
Coding change: c.849del on transcript NM_013339.4 (MANE Select); coding-DNA position 849, one base deleted (T; older notation c.849delT).
Protein change: p.Asn283fs; shifts the reading frame from asparagine 283.
Molecular consequence: frameshift variant.
Genome position (GRCh38, 1-based): chr1:63,414,093, T deleted. VCF-style (leftmost placement, unchanged base first): chr1-63414092-AT-A. GRCh37 (hg19) VCF-style: chr1-63879763-AT-A.
Other names: short protein forms N283fs.
Identifiers: ClinVar variation 940304 (VCV000940304.8), dbSNP rs1644530448, ClinGen allele CA1139656157.

ClinVar aggregate classification (germline): Pathogenic/Likely pathogenic. Review status: criteria provided, multiple submitters, no conflicts (2 of 4 stars). 2 submissions from 2 submitters: Pathogenic (1); Likely pathogenic (1). Last evaluated 2025-10-24.

Conditions:
ALG6-congenital disorder of glycosylation 1C (CDG1C). Also called: CARBOHYDRATE-DEFICIENT GLYCOPROTEIN SYNDROME, TYPE I, WITH DEFICIENT GLYCOSYLATION OF DOLICHOL-LINKED OLIGOSACCHARIDE; CARBOHYDRATE-DEFICIENT GLYCOPROTEIN SYNDROME, TYPE V; Congenital disorder of glycosylation type 1C; Congenital disorder of glycosylation, type Ic; CDG Ic. Identifiers: Orphanet 79320, MedGen C2930997, MONDO:0011291, OMIM 603147.

Submissions (2):

Natera, Inc.
Classification: Likely pathogenic for Congenital disorder of glycosylation type 1c. Last evaluated: 2025-10-24. Review status: criteria provided, single submitter. Criteria: Natera Variant Classification Schema (03/2026). Collection method: clinical testing. Allele origin: germline.
Comment: The c.849del variant in ALG6 is a frameshift variant predicted to shift the reading frame beginning at codon 283 and leads to a stop codon 4 codons downstream. This variant is expected to result in nonsense mediated decay, truncation, or a dysfunctional protein product. This variant is rare in the general population with a frequency below the threshold expected for the associated phenotype(s). Given the available evidence, this variant is classified as Likely Pathogenic.

Labcorp Genetics (formerly Invitae), Labcorp
Classification: Pathogenic for ALG6-congenital disorder of glycosylation 1C. Last evaluated: 2023-08-30. Review status: criteria provided, single submitter. Criteria: Invitae Variant Classification Sherloc (09022015). Collection method: clinical testing. Allele origin: germline.
Comment: This sequence change creates a premature translational stop signal (p.Asn283Lysfs*4) in the ALG6 gene. It is expected to result in an absent or disrupted protein product. Loss-of-function variants in ALG6 are known to be pathogenic (PMID: 19862844). This variant is not present in population databases (gnomAD no frequency). This variant has not been reported in the literature in individuals affected with ALG6-related conditions. ClinVar contains an entry for this variant (Variation ID: 940304). For these reasons, this variant has been classified as Pathogenic.

Literature cited by the submitters: PubMed 19862844 (cited by Labcorp Genetics (formerly Invitae), Labcorp).